The following is an entry in ClinVar:

NM_014516.4(CNOT3):c.1200C>T (p.Gly400=)

Gene: CNOT3 (CCR4-NOT transcription complex subunit 3; plus strand). Cytogenetic location: 19q13.42.
Variant type: single nucleotide variant.
Coding change: c.1200C>T on transcript NM_014516.4 (MANE Select); coding-DNA position 1200, C replaced by T.
Protein change: p.Gly400=; no amino-acid change (glycine 400 retained).
Molecular consequence: synonymous variant.
Genome position (GRCh38, 1-based): chr19:54,148,453, C>T. VCF-style: chr19-54148453-C-T. GRCh37 (hg19) VCF-style: chr19-54652188-C-T.
Identifiers: ClinVar variation 3698723 (VCV003698723.8).

ClinVar aggregate classification (germline): Likely benign. Review status: criteria provided, multiple submitters, no conflicts (2 of 4 stars). 2 submissions from 2 submitters: Likely benign (2). Last evaluated 2025-10-01.

gnomAD v4.1: 22 of 1,565,122 alleles (0.0014%); highest among the groups gnomAD compares: African/African-American, 0.026%; no homozygotes.

Submissions (2):

CeGaT Center for Human Genetics Tuebingen
Classification: Likely benign. Last evaluated: 2025-10-01. Review status: criteria provided, single submitter. Criteria: CeGaT Center For Human Genetics Tuebingen Variant Classification Criteria Version 2. Collection method: clinical testing. Allele origin: germline. Affected: yes. Observed: 1 variant allele.
Comment: CNOT3: BP4, BP7

Labcorp Genetics (formerly Invitae), Labcorp
Classification: Likely benign. Last evaluated: 2024-05-28. Review status: criteria provided, single submitter. Criteria: Invitae Variant Classification Sherloc (09022015). Collection method: clinical testing. Allele origin: germline.